The following is an entry in ClinVar:

NM_173598.6(KSR2):c.1952A>G (p.Gln651Arg)

Gene: KSR2 (kinase suppressor of ras 2; minus strand). Cytogenetic location: 12q24.22.
Variant type: single nucleotide variant.
Coding change: c.1952A>G on transcript NM_173598.6 (MANE Select); coding-DNA position 1952, A replaced by G.
Protein change: p.Gln651Arg; replaces glutamine 651 with arginine.
Molecular consequence: missense variant.
Genome position (GRCh38, 1-based): chr12:117,525,119, T>C on the plus strand (A>G on the coding strand, the complement: KSR2 is on the minus strand). VCF-style: chr12-117525119-T-C. GRCh37 (hg19) VCF-style: chr12-117962924-T-C.
Other names: short protein forms Q651R.
Identifiers: ClinVar variation 4995249 (VCV004995249.1).
Genomic context (GRCh38, chr12:117,525,119, plus strand): 5'-AGCTCGCCGATCTCCAGCTGCTCAAAGGGGATGTCCCACTCCTGAAGGAAGATGCTGGTC[T>C]GGCTGGCCTTGCGTGGGAAGCTCCGGGCCGAGAGGAGGGACAGGTTCATCTCCTCGAAGT-3'
Protein context (NP_775869.4, residues 641-661): SARSFPRKAS[Gln651Arg]TSIFLQEWDI

ClinVar aggregate classification (germline): Uncertain significance (1 of 4 stars; one submission).

Conditions:
KSR2-related disorder. Also called: KSR2-related condition.

Submission:

PreventionGenetics, part of Exact Sciences
Classification: Uncertain significance for KSR2-related condition. Last evaluated: 2026-07-31. Review status: criteria provided, single submitter. Criteria: ACMG Guidelines, 2015. Collection method: clinical testing. Allele origin: germline.
Comment: The KSR2 c.1865A>G variant is predicted to result in the amino acid substitution p.Gln622Arg. To our knowledge, this variant has not been reported in the literature or in a large population database (gnomAD), indicating this variant is rare. At this time, the clinical significance of this variant is uncertain due to the absence of conclusive functional and genetic evidence.